The following is an entry in ClinVar:

ClinVar aggregate classification (germline): Uncertain significance (1 of 4 stars; one submission).

Conditions:
Hereditary cancer-predisposing syndrome. Also called: Neoplastic Syndromes, Hereditary; Tumor predisposition; Hereditary Cancer Syndrome; Hereditary neoplastic syndrome. Identifiers: Orphanet 140162, MedGen C0027672, MeSH D009386, MONDO:0015356.

Submission:

Ambry Genetics
Classification: Uncertain significance for Hereditary cancer-predisposing syndrome. Last evaluated: 2026-06-08. Review status: criteria provided, single submitter. Criteria: Ambry Variant Classification Scheme 2023. Collection method: clinical testing. Allele origin: germline.
Comment: The p.Y369H variant (also known as c.1105T>C), located in coding exon 1 of the MET gene, results from a T to C substitution at nucleotide position 1105. The tyrosine at codon 369 is replaced by histidine, an amino acid with similar properties. This amino acid position is conserved. In addition, this alteration is predicted to be tolerated by in silico analysis. Based on the available evidence, the clinical significance of this variant remains unclear.

NM_000245.4(MET):c.1105T>C (p.Tyr369His)

Gene: MET (MET proto-oncogene, receptor tyrosine kinase; plus strand). Cytogenetic location: 7q31.2.
Variant type: single nucleotide variant.
Coding change: c.1105T>C on transcript NM_000245.4 (MANE Select); coding-DNA position 1105, T replaced by C.
Protein change: p.Tyr369His; replaces tyrosine 369 with histidine.
Molecular consequence: missense variant. On other transcripts: intron variant (1).
Genome position (GRCh38, 1-based): chr7:116,700,189, T>C. VCF-style: chr7-116700189-T-C. GRCh37 (hg19) VCF-style: chr7-116340243-T-C.
Other names: c.1105T>C, p.Tyr369His (NM_001127500.3, NM_001324401.3); c.-91+27612T>C (NM_001324402.2); short protein forms Y369H.
Identifiers: ClinVar variation 4859926 (VCV004859926.1).